The following is an entry in ClinVar:

ClinVar aggregate classification (germline): Uncertain significance (1 of 4 stars; one submission).

Conditions:
Familial hemophagocytic lymphohistiocytosis 4 (FHL4). Also called: STX11-Related Familial Hemophagocytic Lymphohistiocytosis (STX11-fHLH). Identifiers: Orphanet 540, MedGen C1863728, MONDO:0011336, OMIM 603552.

Allele frequency attached by ClinVar (database versions not stated): gnomAD exomes 0.00001; ExAC 0.00002; ESP Exome Variant Server 0.00008.

Submission:

Labcorp Genetics (formerly Invitae), Labcorp
Classification: Uncertain significance for Familial hemophagocytic lymphohistiocytosis 4. Last evaluated: 2024-12-02. Review status: criteria provided, single submitter. Criteria: Invitae Variant Classification Sherloc (09022015). Collection method: clinical testing. Allele origin: germline.
Comment: This sequence change replaces arginine, which is basic and polar, with serine, which is neutral and polar, at codon 216 of the STX11 protein (p.Arg216Ser). This variant is present in population databases (rs151047913, gnomAD 0.005%). This missense change has been observed in individual(s) with hemophagocytic lymphohistiocytosis (PMID: 29665027). ClinVar contains an entry for this variant (Variation ID: 1399377). Invitae Evidence Modeling of protein sequence and biophysical properties (such as structural, functional, and spatial information, amino acid conservation, physicochemical variation, residue mobility, and thermodynamic stability) indicates that this missense variant is not expected to disrupt STX11 protein function with a negative predictive value of 80%. In summary, the available evidence is currently insufficient to determine the role of this variant in disease. Therefore, it has been classified as a Variant of Uncertain Significance.

Literature cited by the submitters: PubMed 29665027.

NM_003764.4(STX11):c.646C>A (p.Arg216Ser)

Gene: STX11 (syntaxin 11; plus strand). Cytogenetic location: 6q24.2.
Variant type: single nucleotide variant.
Coding change: c.646C>A on transcript NM_003764.4 (MANE Select); coding-DNA position 646, C replaced by A.
Protein change: p.Arg216Ser; replaces arginine 216 with serine.
Molecular consequence: missense variant.
Genome position (GRCh38, 1-based): chr6:144,187,273, C>A. VCF-style: chr6-144187273-C-A. GRCh37 (hg19) VCF-style: chr6-144508410-C-A.
Other names: short protein forms R216S.
Identifiers: ClinVar variation 1399377 (VCV001399377.7), dbSNP rs151047913, ClinGen allele CA4031752.